The following is an entry in ClinVar:

ClinVar aggregate classification (germline): Likely benign (0 of 4 stars; one submission).

Conditions:
SGCG-related disorder. Also called: SGCG-related condition.

Allele frequency attached by ClinVar (database versions not stated): gnomAD 0.00002; ExAC 0.00022.
gnomAD v4.1: 182 of 1,363,492 alleles (0.013%); highest among the groups gnomAD compares: African/African-American, 0.22%; 1 homozygote.

Submission:

PreventionGenetics, part of Exact Sciences
Classification: Likely benign for SGCG-related condition. Last evaluated: 2022-07-13. Review status: no assertion criteria provided. Collection method: clinical testing. Allele origin: germline.
Comment: This variant is classified as likely benign based on ACMG/AMP sequence variant interpretation guidelines (Richards et al. 2015 PMID: 25741868, with internal and published modifications).

NM_000231.3(SGCG):c.579-23T>G

Gene: SGCG (sarcoglycan gamma; plus strand). Cytogenetic location: 13q12.12.
Variant type: single nucleotide variant.
Coding change: c.579-23T>G on transcript NM_000231.3 (MANE Select); 23 bases into the intron before coding-DNA position 579, T replaced by G.
Molecular consequence: intron variant.
Genome position (GRCh38, 1-based): chr13:23,320,614, T>G. VCF-style: chr13-23320614-T-G. GRCh37 (hg19) VCF-style: chr13-23894753-T-G.
Other names: c.633-23T>G (NM_001378244.1); c.579-23T>G (NM_001378245.1, NM_001378246.1).
Identifiers: ClinVar variation 3048831 (VCV003048831.2), dbSNP rs1374210956, ClinGen allele CA6909783.